The following is an entry in ClinVar:

NM_025137.4(SPG11):c.5397G>T (p.Lys1799Asn)

Gene: SPG11 (SPG11 vesicle trafficking associated, spatacsin; minus strand). Cytogenetic location: 15q21.1.
Variant type: single nucleotide variant.
Coding change: c.5397G>T on transcript NM_025137.4 (MANE Select); coding-DNA position 5397, G replaced by T.
Protein change: p.Lys1799Asn; replaces lysine 1799 with asparagine.
Molecular consequence: missense variant.
Genome position (GRCh38, 1-based): chr15:44,584,283, C>A on the plus strand (G>T on the coding strand, the complement: SPG11 is on the minus strand). VCF-style: chr15-44584283-C-A. GRCh37 (hg19) VCF-style: chr15-44876481-C-A.
Other names: c.5397G>T, p.Lys1799Asn (NM_001160227.2); c.5253G>T, p.Lys1751Asn (NM_001411132.1); short protein forms K1751N, K1799N.
Identifiers: ClinVar variation 2079680 (VCV002079680.4), dbSNP rs1466622120, ClinGen allele CA392222632.

ClinVar aggregate classification (germline): Uncertain significance (1 of 4 stars; one submission).

Conditions:
Hereditary spastic paraplegia 11. Also called: Nakamura Osame syndrome; Autosomal recessive hereditary spastic paraplegia, mental impairment, and thin corpus callosum; SPASTIC PARAPLEGIA, AUTOSOMAL RECESSIVE, COMPLICATED, WITH THIN CORPUS CALLOSUM; SPASTIC PARAPLEGIA, AUTOSOMAL RECESSIVE, WITH MENTAL IMPAIRMENT AND THIN CORPUS CALLOSUM; Spastic Paraplegia 11; Spastic paraplegia, mental retardation and thin corpus callosum. Identifiers: Orphanet 2822, MedGen C1858479, MONDO:0011445, OMIM 604360.

Submission:

Labcorp Genetics (formerly Invitae), Labcorp
Classification: Uncertain significance for Hereditary spastic paraplegia 11. Last evaluated: 2022-01-11. Review status: criteria provided, single submitter. Criteria: Invitae Variant Classification Sherloc (09022015). Collection method: clinical testing. Allele origin: germline.
Comment: This sequence change replaces lysine, which is basic and polar, with asparagine, which is neutral and polar, at codon 1799 of the SPG11 protein (p.Lys1799Asn). In summary, the available evidence is currently insufficient to determine the role of this variant in disease. Therefore, it has been classified as a Variant of Uncertain Significance. Algorithms developed to predict the effect of missense changes on protein structure and function are either unavailable or do not agree on the potential impact of this missense change (SIFT: "Tolerated"; PolyPhen-2: "Probably Damaging"; Align-GVGD: "Class C15"). This variant has not been reported in the literature in individuals affected with SPG11-related conditions. This variant is not present in population databases (gnomAD no frequency).